The following is an entry in ClinVar:

NM_001267550.2(TTN):c.33601C>A (p.Pro11201Thr)

Gene: TTN (titin; minus strand). Cytogenetic location: 2q31.2.
Variant type: single nucleotide variant.
Coding change: c.33601C>A on transcript NM_001267550.2 (MANE Select); coding-DNA position 33601, C replaced by A.
Protein change: p.Pro11201Thr; replaces proline 11201 with threonine.
Molecular consequence: missense variant. On other transcripts: intron variant (3).
Genome position (GRCh38, 1-based): chr2:178,679,662, G>T on the plus strand (C>A on the coding strand, the complement: TTN is on the minus strand). VCF-style: chr2-178679662-G-T. GRCh37 (hg19) VCF-style: chr2-179544389-G-T.
Other names: c.32650C>A, p.Pro10884Thr (NM_001256850.1); c.29869C>A, p.Pro9957Thr (NM_133378.4); c.13283-37345C>A (NM_003319.4); c.13859-37345C>A (NM_133437.4); c.13658-37345C>A (NM_133432.3); c.33601C>A (NM_001267550.1); short protein forms P11201T, P9957T, P10884T.
Identifiers: ClinVar variation 404893 (VCV000404893.11), dbSNP rs769195017, ClinGen allele CA1998298.

ClinVar aggregate classification (germline): Uncertain significance. Review status: criteria provided, multiple submitters, no conflicts (2 of 4 stars). 8 submissions from 4 submitters: Uncertain significance (8). Last evaluated 2024-09-03.

Conditions:
Autosomal recessive limb-girdle muscular dystrophy type 2J (LGMDR10). Also called: MUSCULAR DYSTROPHY, LIMB-GIRDLE, AUTOSOMAL RECESSIVE 10; Limb-girdle muscular dystrophy, type 2J. Identifiers: Orphanet 140922, MedGen C1837342, MONDO:0012127, OMIM 608807.
Dilated cardiomyopathy 1G (CMD1G). Identifiers: Orphanet 154, MedGen C1858763, MONDO:0011400, OMIM 604145.
Early-onset myopathy with fatal cardiomyopathy (CMYO5). Also called: Salih Myopathy; CONGENITAL MYOPATHY 5 WITH CARDIOMYOPATHY. Identifiers: Orphanet 289377, MedGen C2673677, MONDO:0012714, OMIM 611705. Disease mechanism: loss of function.
Tibial muscular dystrophy (TMD). Also called: UDD MYOPATHY; Tibial muscular dystrophy, tardive; Udd Distal Myopathy – Tibial Muscular Dystrophy. Identifiers: Orphanet 609, MedGen C1838244, MONDO:0010870, OMIM 600334.
Myopathy, myofibrillar, 9, with early respiratory failure (MFM9). Also called: Myopathy, distal, with early respiratory failure, autosomal dominant; Hereditary myopathy with early respiratory failure; EDSTROM MYOPATHY; MYOPATHY, PROXIMAL, WITH EARLY RESPIRATORY MUSCLE INVOLVEMENT. Identifiers: Orphanet 178464, Orphanet 34521, MedGen C1863599, MONDO:0011362, OMIM 603689.

Allele frequency attached by ClinVar (database versions not stated): ExAC 0.00001; gnomAD 0.00001; gnomAD exomes 0.00001 and 0.00002; TOPMed 0.00002.
gnomAD v4.1: 22 of 1,610,244 alleles (0.0014%); highest among the groups gnomAD compares: Non-Finnish European, 0.0019%; no homozygotes.

Submissions (8):

GeneDx
Classification: Uncertain significance. Last evaluated: 2024-09-03. Review status: criteria provided, single submitter. Criteria: GeneDx Variant Classification Process June 2021. Collection method: clinical testing. Allele origin: germline. Affected: yes.
Comment: Has not been previously published as pathogenic or benign to our knowledge; Not observed at significant frequency in large population cohorts (gnomAD); Missense variant in a gene in which most reported pathogenic variants are truncating/loss-of-function

Illumina Laboratory Services, Illumina
Classification: Uncertain significance for Autosomal recessive limb-girdle muscular dystrophy type 2J. Last evaluated: 2018-01-13. Review status: criteria provided, single submitter. Criteria: ICSL Variant Classification Criteria 13 December 2019. Collection method: clinical testing. Allele origin: germline.

Illumina Laboratory Services, Illumina
Classification: Uncertain significance for Early-onset myopathy with fatal cardiomyopathy. Last evaluated: 2018-01-13. Review status: criteria provided, single submitter. Criteria: ICSL Variant Classification Criteria 13 December 2019. Collection method: clinical testing. Allele origin: germline.

Illumina Laboratory Services, Illumina
Classification: Uncertain significance for Tibial muscular dystrophy. Last evaluated: 2018-01-13. Review status: criteria provided, single submitter. Criteria: ICSL Variant Classification Criteria 13 December 2019. Collection method: clinical testing. Allele origin: germline.

Illumina Laboratory Services, Illumina
Classification: Uncertain significance for Myopathy, myofibrillar, 9, with early respiratory failure. Last evaluated: 2018-01-13. Review status: criteria provided, single submitter. Criteria: ICSL Variant Classification Criteria 13 December 2019. Collection method: clinical testing. Allele origin: germline.

Illumina Laboratory Services, Illumina
Classification: Uncertain significance for Dilated cardiomyopathy 1G. Last evaluated: 2018-01-13. Review status: criteria provided, single submitter. Criteria: ICSL Variant Classification Criteria 13 December 2019. Collection method: clinical testing. Allele origin: germline.

Labcorp Genetics (formerly Invitae), Labcorp
Classification: Uncertain significance for Dilated cardiomyopathy 1G; Autosomal recessive limb-girdle muscular dystrophy type 2J. Last evaluated: 2016-08-30. Review status: criteria provided, single submitter. Criteria: Invitae Variant Classification Sherloc (09022015). Collection method: clinical testing. Allele origin: germline.

Breakthrough Genomics
Classification: Uncertain significance. Review status: criteria provided, single submitter. Criteria: ACMG Guidelines, 2015. Collection method: not provided. Allele origin: germline. Inheritance: Autosomal recessive inheritance. Affected: yes.